The following is an entry in ClinVar:

NM_001378964.1(CDON):c.1906A>G (p.Ser636Gly)

Gene: CDON (cell adhesion associated, oncogene regulated; minus strand). Cytogenetic location: 11q24.2.
Variant type: single nucleotide variant.
Coding change: c.1906A>G on transcript NM_001378964.1 (MANE Select); coding-DNA position 1906, A replaced by G.
Protein change: p.Ser636Gly; replaces serine 636 with glycine.
Molecular consequence: missense variant.
Genome position (GRCh38, 1-based): chr11:126,004,022, T>C on the plus strand (A>G on the coding strand, the complement: CDON is on the minus strand). VCF-style: chr11-126004022-T-C. GRCh37 (hg19) VCF-style: chr11-125873917-T-C.
Other names: c.1906A>G, p.Ser636Gly (NM_001243597.3, NM_016952.6); short protein forms S636G.
Identifiers: ClinVar variation 703221 (VCV000703221.48), dbSNP rs758389908, ClinGen allele CA6351901.

ClinVar aggregate classification (germline): Likely benign. Review status: criteria provided, multiple submitters, no conflicts (2 of 4 stars). 2 submissions from 2 submitters: Likely benign (2). Last evaluated 2025-07-07.

Conditions:
Holoprosencephaly 11 (HPE11). Identifiers: Orphanet 2162, MedGen C3280215, MONDO:0013642, OMIM 614226.

Allele frequency attached by ClinVar (database versions not stated): gnomAD 0.00005; TOPMed 0.00008; gnomAD exomes 0.00012 and 0.00027; ExAC 0.00023.
gnomAD v4.1: 79 of 1,613,910 alleles (0.0049%); highest among the groups gnomAD compares: Admixed American, 0.13%; no homozygotes.

Submissions (2):

Labcorp Genetics (formerly Invitae), Labcorp
Classification: Likely benign for Holoprosencephaly 11. Last evaluated: 2025-07-07. Review status: criteria provided, single submitter. Criteria: Invitae Variant Classification Sherloc (09022015). Collection method: clinical testing. Allele origin: germline.

Illumina Laboratory Services, Illumina
Classification: Likely benign for Holoprosencephaly 11. Last evaluated: 2018-01-12. Review status: criteria provided, single submitter. Criteria: ICSL Variant Classification Criteria 13 December 2019. Collection method: clinical testing. Allele origin: germline.
Comment: This variant was observed in the ICSL laboratory as part of a predisposition screen in an ostensibly healthy population. It had not been previously curated by ICSL or reported in the Human Gene Mutation Database (HGMD: prior to June 1st, 2018), and was therefore a candidate for classification through an automated scoring system. Utilizing variant allele frequency, disease prevalence and penetrance estimates, and inheritance mode, an automated score was calculated to assess if this variant is too frequent to cause the disease. Based on the score and internal cut-off values, a variant classified as likely benign is not then subjected to further curation. The score for this variant resulted in a classification of likely benign for this disease.